The following is an entry in ClinVar:

NM_001040108.2(MLH3):c.4321C>T (p.Gln1441Ter)

Gene: MLH3 (mutL homolog 3; minus strand). Cytogenetic location: 14q24.3.
Variant type: single nucleotide variant.
Coding change: c.4321C>T on transcript NM_001040108.2 (MANE Select); coding-DNA position 4321, C replaced by T.
Protein change: p.Gln1441Ter; replaces glutamine 1441 with a stop codon.
Molecular consequence: nonsense.
Genome position (GRCh38, 1-based): chr14:75,017,123, G>A on the plus strand (C>T on the coding strand, the complement: MLH3 is on the minus strand). VCF-style: chr14-75017123-G-A. GRCh37 (hg19) VCF-style: chr14-75483826-G-A.
Other names: c.4249C>T, p.Gln1417Ter (NM_014381.3); short protein forms Q1417*, Q1441*.
Identifiers: ClinVar variation 647488 (VCV000647488.13), dbSNP rs148895027, ClinGen allele CA7275158.

ClinVar aggregate classification (germline): Uncertain significance. Review status: criteria provided, multiple submitters, no conflicts (2 of 4 stars). 2 submissions from 2 submitters: Uncertain significance (2). Last evaluated 2026-05-28.

Conditions:
Colorectal cancer, hereditary nonpolyposis, type 7. Identifiers: Orphanet 144, MedGen C1858380, MONDO:0013725, OMIM 614385.

Allele frequency attached by ClinVar (database versions not stated): gnomAD 0.00001; gnomAD exomes 0.00002 and 0.00001; TOPMed 0.00002; ESP Exome Variant Server 0.00008; ExAC 0.00002.

Submissions (2):

Ambry Genetics
Classification: Uncertain significance. Last evaluated: 2026-05-28. Review status: criteria provided, single submitter. Criteria: Ambry Variant Classification Scheme 2023. Collection method: clinical testing. Allele origin: germline.
Comment: The p.Q1441* variant (also known as c.4321C>T), located in coding exon 12 of the MLH3 gene, results from a C to T substitution at nucleotide position 4321. This changes the amino acid from a glutamine to a stop codon within coding exon 12. This variant occurs at the 3' terminus of the gene, is not expected to trigger nonsense-mediated mRNA decay, and impacts the last 13 amino acids of the protein. The exact functional effect of this variant is unknown. Based on the available evidence, the clinical significance of this variant remains unclear.

Labcorp Genetics (formerly Invitae), Labcorp
Classification: Uncertain significance for Colorectal cancer, hereditary nonpolyposis, type 7. Last evaluated: 2025-01-22. Review status: criteria provided, single submitter. Criteria: Invitae Variant Classification Sherloc (09022015). Collection method: clinical testing. Allele origin: germline.
Comment: This sequence change creates a premature translational stop signal (p.Gln1441*) in the MLH3 gene. While this is not anticipated to result in nonsense mediated decay, it is expected to disrupt the last 13 amino acid(s) of the MLH3 protein. This variant is present in population databases (rs148895027, gnomAD 0.003%). This variant has not been reported in the literature in individuals affected with MLH3-related conditions. ClinVar contains an entry for this variant (Variation ID: 647488). Algorithms developed to predict the effect of sequence changes on RNA splicing suggest that this variant may create or strengthen a splice site. In summary, the available evidence is currently insufficient to determine the role of this variant in disease. Therefore, it has been classified as a Variant of Uncertain Significance.